The following is an entry in ClinVar:

ClinVar aggregate classification (germline): Uncertain significance. Review status: reviewed by expert panel (3 of 4 stars). 5 submissions from 5 submitters: Uncertain significance (1). 4 of the submissions do not count toward it. Last evaluated 2024-01-22.

Conditions:
Autosomal dominant spastic ataxia. Identifiers: Orphanet 316235, MedGen C5679899, MONDO:0017846.
Mitochondrial disease. Also called: Mitochondrial disorder; Mitochondrial disorders. Identifiers: Orphanet 68380, MedGen C0751651, MeSH D028361, MONDO:0044970.
Leigh syndrome (NULS). Also called: Leigh's necrotizing encephalopathy; Leigh's disease; Leigh Disease; Subacute necrotizing encephalopathy; Necrotizing encephalopathy infantile subacute of Leigh; LEIGH SYNDROME, NUCLEAR. Identifiers: Orphanet 506, MedGen C2931891, MONDO:0009723, OMIM 256000.

Submissions (5):

ClinGen Mitochondrial Disease Nuclear and Mitochondrial  Variant Curation Expert Panel, ClinGen
Classification: Uncertain significance for Mitochondrial disease. Last evaluated: 2024-01-22. Review status: reviewed by expert panel. Criteria: clingen mito disease acmg specifications v1-1. Collection method: curation. Allele origin: germline. Inheritance: Mitochondrial inheritance.
Comment: The m.9478T>C (p.Val91Ala) variant in MT-CO3 has been reported in one family with primary mitochondrial disease (PMID: 20525945). There were two affected siblings in this family and clinical features included Leigh syndrome, childhood onset vision loss, ophthalmoplegia, dystonia, tremor, and spastic paraplegia. The variant was present at 88-89% in blood, 91-95% in buccal mucosa, and 0-4% in hair follicles in the affected individuals. The unaffected mother also had high heteroplasmy levels of this variant although lower than the affected children (85% in blood, 87% in buccal mucosa) and an unaffected brother had the variant present at 62% in blood (PP1). Of note, nuclear genetic etiologies, with the exception of SURF1-related disorders, were not evaluated in this family. This variant is present in population databases (GenBank dataset, Helix dataset, and gnomAD v3.1.2) at frequencies ranging from 0.027%-0.36%. The computational predictor APOGEE1 gives a consensus rating of pathogenic with a score of 0.59 (Min=0, Max=1), which predicts a damaging effect on gene function, however we note APOGEE2 predicts this variant is likely benign with a score of 0.149. There are no cybrids, single fiber studies, or other functional assays reported on this variant. In summary, this variant meets criteria to be classified as uncertain significance for primary mitochondrial disease inherited in a mitochondrial manner. This classification was approved by the NICHD/NINDS U24 ClinGen Mitochondrial Disease Variant Curation Expert Panel on January 22, 2024. Mitochondrial DNA-specific ACMG/AMP criteria applied (PMID: 32906214): PP1.

Clinical Genetics Laboratory, Skane University Hospital Lund
Classification: Uncertain significance. Last evaluated: 2023-12-18. Review status: criteria provided, single submitter. Criteria: ACMG Guidelines, 2015. Collection method: clinical testing. Allele origin: germline. Affected: yes. Not counted in ClinVar's aggregate classification.

Mendelics
Classification: Uncertain significance. Last evaluated: 2022-05-04. Review status: criteria provided, single submitter. Criteria: Mendelics Assertion Criteria 2019. Collection method: clinical testing. Allele origin: germline. Not counted in ClinVar's aggregate classification.

Solve-RD Consortium
Classification: Likely pathogenic for Autosomal dominant spastic ataxia. Last evaluated: 2022-06-01. Review status: no assertion criteria provided. Collection method: provider interpretation. Allele origin: maternal. Affected: yes. Not counted in ClinVar's aggregate classification.
Comment: Variant confirmed as disease-causing by referring clinical team

Variant identified during reanalysis of unsolved cases by the Solve-RD project. The Solve-RD project has received funding from the European Union’s Horizon 2020 research and innovation programme under grant agreement No 779257.

GeneReviews
No classification provided. Condition: Leigh syndrome. Review status: no classification provided. Collection method: literature only. Allele origin: germline. Not counted in ClinVar's aggregate classification.

Literature cited by the submitters: PubMed 39825153 (cited by Solve-RD Consortium); NCBI Bookshelf NBK1173 (cited by GeneReviews).

NC_012920.1(MT-CO3):m.9478T>C

Gene: MT-CO3 (mitochondrially encoded cytochrome c oxidase III; plus strand).
Variant type: single nucleotide variant.
Genome position: chrM-9478-T-C.
Identifiers: ClinVar variation 155885 (VCV000155885.8), dbSNP rs587776437, ClinGen allele CA345915.